The following is an entry in ClinVar:

ClinVar aggregate classification (germline): Pathogenic. Review status: criteria provided, multiple submitters, no conflicts (2 of 4 stars). 6 submissions from 6 submitters: Pathogenic (6). Last evaluated 2025-12-09.

Conditions:
PKHD1-related disorder. Also called: PKHD1-related condition.
Polycystic kidney disease 4 (PKD4). Also called: PKD3; POLYCYSTIC KIDNEY DISEASE 4 WITH OR WITHOUT POLYCYSTIC LIVER DISEASE; POLYCYSTIC KIDNEY AND HEPATIC DISEASE 1; POLYCYSTIC KIDNEY DISEASE, INFANTILE, TYPE I; Autosomal Recessive Polycystic Kidney Disease – PKHD1. Identifiers: MedGen C4540575, MONDO:0033004, OMIM 263200.
Autosomal recessive polycystic kidney disease (ARPKD). Also called: AR polycystic kidney disease. Identifiers: Orphanet 731, Orphanet 8378, MedGen C0085548, MeSH D017044, MONDO:0009889.

Allele frequency attached by ClinVar (database versions not stated): gnomAD 0.00001; gnomAD exomes 0.00001; TOPMed 0.00001.
gnomAD v4.1: 13 of 1,604,090 alleles (0.00081%); highest among the groups gnomAD compares: Non-Finnish European, 0.0011%; no homozygotes.

Submissions (6):

PreventionGenetics, part of Exact Sciences
Classification: Pathogenic for PKHD1-related condition. Last evaluated: 2025-12-09. Review status: criteria provided, single submitter. Criteria: ACMG Guidelines, 2015. Collection method: clinical testing. Allele origin: germline.
Comment: The PKHD1 c.474G>A variant is predicted to result in premature protein termination (p.Trp158*). This variant has been reported in the compound heterozygous state with another causative PKHD1 variant in multiple individuals with autosomal recessive polycystic kidney disease (Bergmann et al. 2004. PubMed ID: 15108281; Gunay-Aygun et al. 2009. PubMed ID: 19914852; Szabó et al. 2018. PubMed ID: 29956005; Konopásek et al. 2023. PubMed ID: 37780053). This variant has not been reported in a large population database (gnomAD), indicating this variant is rare. Nonsense variants in PKHD1 are expected to be pathogenic, and this variant is classified as pathogenic in the ClinVar database (Variation ID: 813395). Taken together, this variant is interpreted as pathogenic.

Natera, Inc.
Classification: Pathogenic for Autosomal recessive polycystic kidney disease. Last evaluated: 2025-09-12. Review status: criteria provided, single submitter. Criteria: Natera Variant Classification Schema (03/2026). Collection method: clinical testing. Allele origin: germline.
Comment: The c.474G>A variant in PKHD1 is a nonsense variant predicted to introduce a stop codon at amino acid 158. This variant is expected to result in nonsense mediated decay, truncation, or a dysfunctional protein product. This variant is rare in the general population with a frequency below the threshold expected for the associated phenotype(s). This variant has been observed in one or more individuals affected with the associated recessive disease, as either homozygous or compound heterozygous with a second variant (PMID: 29956005). Given the available evidence, this variant is classified as Pathogenic.

Labcorp Genetics (formerly Invitae), Labcorp
Classification: Pathogenic for Autosomal recessive polycystic kidney disease. Last evaluated: 2024-11-22. Review status: criteria provided, single submitter. Criteria: Invitae Variant Classification Sherloc (09022015). Collection method: clinical testing. Allele origin: germline.
Comment: This sequence change creates a premature translational stop signal (p.Trp158*) in the PKHD1 gene. It is expected to result in an absent or disrupted protein product. Loss-of-function variants in PKHD1 are known to be pathogenic (PMID: 19940839). This variant is not present in population databases (gnomAD no frequency). This premature translational stop signal has been observed in individual(s) with autosomal recessive polycystic kidney disease (PMID: 15108281, 19914852, 29956005). In at least one individual the data is consistent with being in trans (on the opposite chromosome) from a pathogenic variant. ClinVar contains an entry for this variant (Variation ID: 813395). For these reasons, this variant has been classified as Pathogenic.

Fulgent Genetics
Classification: Pathogenic for Polycystic kidney disease 4. Last evaluated: 2024-01-24. Review status: criteria provided, single submitter. Criteria: ACMG Guidelines, 2015. Collection method: clinical testing. Allele origin: germline.

GeneDx
Classification: Pathogenic. Last evaluated: 2023-08-31. Review status: criteria provided, single submitter. Criteria: GeneDx Variant Classification Process June 2021. Collection method: clinical testing. Allele origin: germline. Affected: yes.
Comment: Nonsense variant predicted to result in protein truncation or nonsense mediated decay in a gene for which loss of function is a known mechanism of disease; Not observed at significant frequency in large population cohorts (gnomAD); This variant is associated with the following publications: (PMID: 25525159, 15108281, 29956005, 19914852)

Baylor Genetics
Classification: Pathogenic for Polycystic kidney disease 4. Review status: criteria provided, single submitter. Criteria: ACMG Guidelines, 2015. Collection method: clinical testing. Allele origin: germline.

Literature cited by the submitters: PubMed 29956005 (cited by Natera, Inc. and Labcorp Genetics (formerly Invitae), Labcorp); PubMed 19940839 (cited by Labcorp Genetics (formerly Invitae), Labcorp); PubMed 15108281 (cited by Labcorp Genetics (formerly Invitae), Labcorp); PubMed 19914852 (cited by Labcorp Genetics (formerly Invitae), Labcorp).

NM_138694.4(PKHD1):c.474G>A (p.Trp158Ter)

Gene: PKHD1 (PKHD1 ciliary IPT domain containing fibrocystin/polyductin; minus strand). Cytogenetic location: 6p12.2.
Variant type: single nucleotide variant.
Coding change: c.474G>A on transcript NM_138694.4 (MANE Select); coding-DNA position 474, G replaced by A.
Protein change: p.Trp158Ter; replaces tryptophan 158 with a stop codon.
Molecular consequence: nonsense.
Genome position (GRCh38, 1-based): chr6:52,073,516, C>T on the plus strand (G>A on the coding strand, the complement: PKHD1 is on the minus strand). VCF-style: chr6-52073516-C-T. GRCh37 (hg19) VCF-style: chr6-51938314-C-T.
Other names: c.474G>A (NM_170724.2); c.474G>A, p.Trp158Ter (NM_170724.3); short protein forms W158*.
Identifiers: ClinVar variation 813395 (VCV000813395.23), dbSNP rs1350620976, ClinGen allele CA364436283.